The following is an entry in ClinVar:

NM_001283.5(AP1S1):c.201C>T (p.Phe67=)

Genes: AP1S1 (adaptor related protein complex 1 subunit sigma 1; plus strand), LOC126860125 (BRD4-independent group 4 enhancer GRCh37_chr7:100799642-100800841; plus strand). Cytogenetic location: 7q22.1.
Variant type: single nucleotide variant.
Coding change: c.201C>T on transcript NM_001283.5 (MANE Select); coding-DNA position 201, C replaced by T.
Protein change: p.Phe67=; no amino-acid change (phenylalanine 67 retained).
Molecular consequence: synonymous variant.
Genome position (GRCh38, 1-based): chr7:101,157,395, C>T. VCF-style: chr7-101157395-C-T. GRCh37 (hg19) VCF-style: chr7-100800676-C-T.
Identifiers: ClinVar variation 784721 (VCV000784721.11), dbSNP rs77920250, ClinGen allele CA4405954.
Genomic context (GRCh38, chr7:101,157,395, plus strand): 5'-GAAGCAAGCTTGTAGCGATGTCTCATGCGCTCCTCTCCGCAGATATGCCAGCCTCTACTT[C>T]TGCTGCGCCATCGAGGGCCAAGACAATGAGCTCATCACACTGGAGCTGATCCACCGATAC-3'
Protein context (NP_001274.1, residues 57-77): VVYKRYASLY[Phe67=]CCAIEGQDNE

ClinVar aggregate classification (germline): Benign. Review status: criteria provided, single submitter (1 of 4 stars). 2 submissions from 2 submitters: Benign (1). 1 of the submissions does not count toward it. Last evaluated 2026-01-26.

Conditions:
AP1S1-related disorder. Also called: AP1S1-related condition.

Allele frequency attached by ClinVar (database versions not stated): gnomAD exomes 0.00016; gnomAD 0.00017 and 0.00053; TOPMed 0.00018; ExAC 0.00055; 1000 Genomes Project 30x 0.00250; 1000 Genomes Project 0.00319.
gnomAD v4.1: 1,525 of 1,577,516 alleles (0.097%); highest among the groups gnomAD compares: East Asian, 3.5%; 53 homozygotes.

Submissions (2):

Labcorp Genetics (formerly Invitae), Labcorp
Classification: Benign. Last evaluated: 2026-01-26. Review status: criteria provided, single submitter. Criteria: Invitae Variant Classification Sherloc (09022015). Collection method: clinical testing. Allele origin: germline.

PreventionGenetics, part of Exact Sciences
Classification: Likely benign for AP1S1-related condition. Last evaluated: 2020-06-29. Review status: no assertion criteria provided. Collection method: clinical testing. Allele origin: germline. Not counted in ClinVar's aggregate classification.
Comment: This variant is classified as likely benign based on ACMG/AMP sequence variant interpretation guidelines (Richards et al. 2015 PMID: 25741868, with internal and published modifications).